The following is an entry in ClinVar:

ClinVar aggregate classification (germline): Uncertain significance (1 of 4 stars; one submission).

Conditions:
Congenital heart defects, dysmorphic facial features, and intellectual developmental disorder (CHDFIDD). Identifiers: Orphanet 646278, MedGen C4479246, MONDO:0044302, OMIM 617360.

Submission:

Laboratorio de Genetica e Diagnostico Molecular, Hospital Israelita Albert Einstein
Classification: Uncertain significance for Congenital heart defects, dysmorphic facial features, and intellectual developmental disorder. Last evaluated: 2023-06-01. Review status: criteria provided, single submitter. Criteria: ACMG Guidelines, 2015. Collection method: clinical testing. Allele origin: germline. Affected: yes.
Comment: ACMG classification criteria: PM2 moderate, BP4 supporting

NM_003718.5(CDK13):c.1129G>C (p.Glu377Gln)

Gene: CDK13 (cyclin dependent kinase 13; plus strand). Cytogenetic location: 7p14.1.
Variant type: single nucleotide variant.
Coding change: c.1129G>C on transcript NM_003718.5 (MANE Select); coding-DNA position 1129, G replaced by C.
Protein change: p.Glu377Gln; replaces glutamic acid 377 with glutamine.
Molecular consequence: missense variant.
Genome position (GRCh38, 1-based): chr7:39,951,770, G>C. VCF-style: chr7-39951770-G-C. GRCh37 (hg19) VCF-style: chr7-39991369-G-C.
Other names: c.1129G>C, p.Glu377Gln (NM_031267.4); short protein forms E377Q.
Identifiers: ClinVar variation 3902055 (VCV003902055.1).